The following is an entry in ClinVar:

ClinVar aggregate classification (germline): Uncertain significance (1 of 4 stars; one submission).

Conditions:
Charcot-Marie-Tooth disease axonal type 2O. Also called: Charcot-Marie-Tooth disease, axonal, type 20; CHARCOT-MARIE-TOOTH NEUROPATHY, AXONAL, TYPE 2O; CHARCOT-MARIE-TOOTH DISEASE, AXONAL, AUTOSOMAL DOMINANT, TYPE 2O; Charcot-Marie-Tooth Neuropathy Type 2O. Identifiers: Orphanet 284232, MedGen C3280220, MONDO:0013644, OMIM 614228.

Submission:

Labcorp Genetics (formerly Invitae), Labcorp
Classification: Uncertain significance for Charcot-Marie-Tooth disease axonal type 2O. Last evaluated: 2023-12-09. Review status: criteria provided, single submitter. Criteria: Invitae Variant Classification Sherloc (09022015). Collection method: clinical testing. Allele origin: germline.
Comment: This sequence change replaces leucine, which is neutral and non-polar, with phenylalanine, which is neutral and non-polar, at codon 756 of the DYNC1H1 protein (p.Leu756Phe). This variant is not present in population databases (gnomAD no frequency). This variant has not been reported in the literature in individuals affected with DYNC1H1-related conditions. Advanced modeling of protein sequence and biophysical properties (such as structural, functional, and spatial information, amino acid conservation, physicochemical variation, residue mobility, and thermodynamic stability) performed at Invitae indicates that this missense variant is expected to disrupt DYNC1H1 protein function with a positive predictive value of 95%. In summary, the available evidence is currently insufficient to determine the role of this variant in disease. Therefore, it has been classified as a Variant of Uncertain Significance.

NM_001376.5(DYNC1H1):c.2266C>T (p.Leu756Phe)

Gene: DYNC1H1 (dynein cytoplasmic 1 heavy chain 1; plus strand). Cytogenetic location: 14q32.31.
Variant type: single nucleotide variant.
Coding change: c.2266C>T on transcript NM_001376.5 (MANE Select); coding-DNA position 2266, C replaced by T.
Protein change: p.Leu756Phe; replaces leucine 756 with phenylalanine.
Molecular consequence: missense variant.
Genome position (GRCh38, 1-based): chr14:101,986,491, C>T. VCF-style: chr14-101986491-C-T. GRCh37 (hg19) VCF-style: chr14-102452828-C-T.
Other names: short protein forms L756F.
Identifiers: ClinVar variation 2701215 (VCV002701215.3), dbSNP rs1595601139, ClinGen allele CA391022423.
Genomic context (GRCh38, chr14:101,986,491, plus strand): 5'-AAAGTTAACTTTCTTCCTGAGATTATCACACTATCCAAAGAAGTCCGGAACCTCAAATGG[C>T]TTGGTTTCCGCGTCCCACTGGCGATTGTGAACAAAGCCCATCAAGCAAACCAGCTTTACC-3'
Protein context (NP_001367.2, residues 746-766): LSKEVRNLKW[Leu756Phe]GFRVPLAIVN